The following is an entry in ClinVar:

ClinVar aggregate classification (germline): Pathogenic/Likely pathogenic. Review status: criteria provided, multiple submitters, no conflicts (2 of 4 stars). 2 submissions from 2 submitters: Pathogenic (1); Likely pathogenic (1). Last evaluated 2023-04-16.

Conditions:
Heterotopia, periventricular, X-linked dominant (PVNH1). Also called: PERIVENTRICULAR NODULAR HETEROTOPIA 1; X-linked periventricular heterotopia; PERIVENTRICULAR NODULAR HETEROTOPIA 4; HETEROTOPIA, PERIVENTRICULAR, 1. Identifiers: Orphanet 2149, Orphanet 82004, MedGen C1848213, MONDO:0010233, OMIM 300049.
Oto-palato-digital syndrome, type II (OPD2). Also called: OPD II SYNDROME; FACIOPALATOOSSEOUS SYNDROME; Otopalatodigital Syndrome Type 2 (FLNA-OPD2); Otopalatodigital Syndrome, Type II. Identifiers: Orphanet 669, Orphanet 90652, MedGen C1844696, MONDO:0010571, OMIM 304120.
Frontometaphyseal dysplasia (FMD1). Identifiers: Orphanet 1826, MedGen C0265293, MONDO:0015942.
Melnick-Needles syndrome (MNS). Also called: MELNICK-NEEDLES OSTEODYSPLASTY; OSTEODYSPLASTY OF MELNICK AND NEEDLES; Melnick-Needles Syndrome (FLNA-MNS). Identifiers: Orphanet 2484, MedGen C0025237, MONDO:0010650, OMIM 309350.

Submissions (2):

Labcorp Genetics (formerly Invitae), Labcorp
Classification: Pathogenic for Oto-palato-digital syndrome, type II; Heterotopia, periventricular, X-linked dominant; Frontometaphyseal dysplasia; Melnick-Needles syndrome. Last evaluated: 2023-04-16. Review status: criteria provided, single submitter. Criteria: Invitae Variant Classification Sherloc (09022015). Collection method: clinical testing. Allele origin: germline.
Comment: For these reasons, this variant has been classified as Pathogenic. ClinVar contains an entry for this variant (Variation ID: 817127). This variant has not been reported in the literature in individuals affected with FLNA-related conditions. This variant is not present in population databases (gnomAD no frequency). This sequence change creates a premature translational stop signal (p.Gln378Argfs*2) in the FLNA gene. It is expected to result in an absent or disrupted protein product. Loss-of-function variants in FLNA are known to be pathogenic (PMID: 16684786, 20730588, 26471271).

GeneDx
Classification: Likely pathogenic. Last evaluated: 2018-07-03. Review status: criteria provided, single submitter. Criteria: GeneDx Variant Classification (06012015). Collection method: clinical testing. Allele origin: germline. Affected: yes.
Comment: A variant that is likely pathogenic has been identified in the FLNA gene. The c.1133_1134delAG variant has not been published as a pathogenic variant, nor has it been reported as a benign variant to our knowledge. The c.1133_1134delAG variant is not observed in large population cohorts (Lek et al., 2016). The c.1133_1134delAG variant causes a frameshift starting with codon Glutamine 378, changes this amino acid to an Arginine residue and creates a premature Stop codon at position 2 of the new reading frame, denoted p.Gln378ArgfsX2. This likely pathogenic variant is predicted to cause loss of normal protein function either through protein truncation or nonsense-mediated mRNA decay. Therefore, this variant is likely pathogenic; however, the possibility that it is benign cannot be excluded.

Literature cited by the submitters: PubMed 16684786 (cited by Labcorp Genetics (formerly Invitae), Labcorp); PubMed 20730588 (cited by Labcorp Genetics (formerly Invitae), Labcorp); PubMed 26471271 (cited by Labcorp Genetics (formerly Invitae), Labcorp).

NM_001110556.2(FLNA):c.1133_1134del (p.Gln378fs)

Gene: FLNA (filamin A; minus strand). Cytogenetic location: Xq28.
Variant type: Deletion.
Coding change: c.1133_1134del on transcript NM_001110556.2 (MANE Select); coding-DNA positions 1133 to 1134, 2 bases deleted (AG; older notation c.1133_1134delAG).
Protein change: p.Gln378fs; shifts the reading frame from glutamine 378.
Molecular consequence: frameshift variant.
Genome position (GRCh38, 1-based): chrX:154,366,402-154,366,403, CT deleted on the plus strand (AG on the coding strand, the reverse complement: FLNA is on the minus strand). VCF-style (leftmost placement, unchanged base first): chrX-154366401-CCT-C. GRCh37 (hg19) VCF-style: chrX-153594769-CCT-C.
Other names: c.1133_1134delAG (NM_001456.3); c.1133_1134del, p.Gln378fs (NM_001456.4); short protein forms Q378fs.
Identifiers: ClinVar variation 817127 (VCV000817127.4), dbSNP rs1603362871, ClinGen allele CA915952399.